The following is an entry in ClinVar:

NM_019109.5(ALG1):c.240C>G (p.Asn80Lys)

Gene: ALG1 (ALG1 chitobiosyldiphosphodolichol beta-mannosyltransferase; plus strand). Cytogenetic location: 16p13.3.
Variant type: single nucleotide variant.
Coding change: c.240C>G on transcript NM_019109.5 (MANE Select); coding-DNA position 240, C replaced by G.
Protein change: p.Asn80Lys; replaces asparagine 80 with lysine.
Molecular consequence: missense variant. On other transcripts: 5 prime UTR variant (1).
Genome position (GRCh38, 1-based): chr16:5,072,982, C>G. VCF-style: chr16-5072982-C-G. GRCh37 (hg19) VCF-style: chr16-5122983-C-G.
Other names: c.-94C>G (NM_001330504.2); short protein forms N80K.
Identifiers: ClinVar variation 2006659 (VCV002006659.4), dbSNP rs753209665, ClinGen allele CA394679080.
Genomic context (GRCh38, chr16:5,072,982, plus strand): 5'-ACATTAAAGGGATCATTCTCATTTTTCAGACTCCAAACCCCATGATGAGCTCTTGCAGAA[C>G]AACAGAATTCAGATTGTGGGGTTGACAGAACTTCAGAGTCTTGCAGGTAGGATGCCGTCA-3'
Protein context (NP_061982.3, residues 70-90): NSKPHDELLQ[Asn80Lys]NRIQIVGLTE

ClinVar aggregate classification (germline): Uncertain significance (1 of 4 stars; one submission).

Conditions:
ALG1-congenital disorder of glycosylation. Also called: ALG1-CDG; CDG Ik; CONGENITAL DISORDER OF GLYCOSYLATION, TYPE Ik. Identifiers: Orphanet 79327, MedGen C2931005, MONDO:0012052, OMIM 608540.

gnomAD v4.1: 2 of 1,614,172 alleles (0.00012%); highest among the groups gnomAD compares: Non-Finnish European, 0.00017%; no homozygotes.

Submission:

Labcorp Genetics (formerly Invitae), Labcorp
Classification: Uncertain significance for ALG1-congenital disorder of glycosylation. Last evaluated: 2022-07-23. Review status: criteria provided, single submitter. Criteria: Invitae Variant Classification Sherloc (09022015). Collection method: clinical testing. Allele origin: germline.
Comment: Advanced modeling of protein sequence and biophysical properties (such as structural, functional, and spatial information, amino acid conservation, physicochemical variation, residue mobility, and thermodynamic stability) performed at Invitae indicates that this missense variant is not expected to disrupt ALG1 protein function. This variant has not been reported in the literature in individuals affected with ALG1-related conditions. This variant is not present in population databases (gnomAD no frequency). This sequence change replaces asparagine, which is neutral and polar, with lysine, which is basic and polar, at codon 80 of the ALG1 protein (p.Asn80Lys). In summary, the available evidence is currently insufficient to determine the role of this variant in disease. Therefore, it has been classified as a Variant of Uncertain Significance.